The following is an entry in ClinVar:

NM_182914.3(SYNE2):c.18633G>A (p.Thr6211=)

Gene: SYNE2 (spectrin repeat containing nuclear envelope protein 2; plus strand). Cytogenetic location: 14q23.2.
Variant type: single nucleotide variant.
Coding change: c.18633G>A on transcript NM_182914.3 (MANE Select); coding-DNA position 18633, G replaced by A.
Protein change: p.Thr6211=; no amino-acid change (threonine 6211 retained).
Molecular consequence: synonymous variant.
Genome position (GRCh38, 1-based): chr14:64,210,034, G>A. VCF-style: chr14-64210034-G-A. GRCh37 (hg19) VCF-style: chr14-64676752-G-A.
Other names: c.18633G>A, p.Thr6211= (NM_015180.6).
Identifiers: ClinVar variation 732471 (VCV000732471.11), dbSNP rs755914136, ClinGen allele CA7224159.

ClinVar aggregate classification (germline): Likely benign. Review status: criteria provided, multiple submitters, no conflicts (2 of 4 stars). 2 submissions from 2 submitters: Likely benign (2). Last evaluated 2025-02-11.

Conditions:
Emery-Dreifuss muscular dystrophy 5, autosomal dominant (EDMD5). Also called: EMERY-DREIFUSS MUSCULAR DYSTROPHY 5. Identifiers: Orphanet 261, MedGen C2751805, MONDO:0013072, OMIM 612999.
SYNE2-related disorder. Also called: SYNE2-related condition.

Allele frequency attached by ClinVar (database versions not stated): gnomAD exomes 0.00001; ExAC 0.00002.
gnomAD v4.1: 17 of 1,614,118 alleles (0.0011%); highest among the groups gnomAD compares: African/African-American, 0.0013%; no homozygotes.

Submissions (2):

PreventionGenetics, part of Exact Sciences
Classification: Likely benign for SYNE2-related condition. Last evaluated: 2025-02-11. Review status: criteria provided, single submitter. Criteria: ACMG Guidelines, 2015. Collection method: clinical testing. Allele origin: germline.
Comment: This variant is classified as likely benign based on ACMG/AMP sequence variant interpretation guidelines (Richards et al. 2015 PMID: 25741868, with internal and published modifications).

Labcorp Genetics (formerly Invitae), Labcorp
Classification: Likely benign for Emery-Dreifuss muscular dystrophy 5, autosomal dominant. Last evaluated: 2018-08-14. Review status: criteria provided, single submitter. Criteria: Invitae Variant Classification Sherloc (09022015). Collection method: clinical testing. Allele origin: germline.